The following is an entry in ClinVar:

ClinVar aggregate classification (germline): Uncertain significance. Review status: criteria provided, multiple submitters, no conflicts (2 of 4 stars). 2 submissions from 2 submitters: Uncertain significance (2). Last evaluated 2023-09-20.

Conditions:
Hereditary cancer-predisposing syndrome. Also called: Tumor predisposition; Hereditary Cancer Syndrome; Hereditary neoplastic syndrome; Neoplastic Syndromes, Hereditary. Identifiers: Orphanet 140162, MedGen C0027672, MeSH D009386, MONDO:0015356.
Familial adenomatous polyposis 1 (FAP1). Also called: FAMILIAL ADENOMATOUS POLYPOSIS 1, ATTENUATED; POLYPOSIS, ADENOMATOUS INTESTINAL. Identifiers: MedGen C2713442, MONDO:0021056, OMIM 175100. Disease mechanism: loss of function.

Submissions (2):

Ambry Genetics
Classification: Uncertain significance for Hereditary cancer-predisposing syndrome. Last evaluated: 2023-09-20. Review status: criteria provided, single submitter. Criteria: Ambry Variant Classification Scheme 2023. Collection method: clinical testing. Allele origin: germline.
Comment: The p.R1790I variant (also known as c.5369G>T), located in coding exon 15 of the APC gene, results from a G to T substitution at nucleotide position 5369. The arginine at codon 1790 is replaced by isoleucine, an amino acid with similar properties. This amino acid position is conserved. In addition, in silico predictors for this gene do not accurately predict pathogenicity. Since supporting evidence is limited at this time, the clinical significance of this alteration remains unclear.

Labcorp Genetics (formerly Invitae), Labcorp
Classification: Uncertain significance for Familial adenomatous polyposis 1. Last evaluated: 2021-09-29. Review status: criteria provided, single submitter. Criteria: Invitae Variant Classification Sherloc (09022015). Collection method: clinical testing. Allele origin: germline.
Comment: In summary, the available evidence is currently insufficient to determine the role of this variant in disease. Therefore, it has been classified as a Variant of Uncertain Significance. Algorithms developed to predict the effect of missense changes on protein structure and function (SIFT, PolyPhen-2, Align-GVGD) all suggest that this variant is likely to be tolerated. This variant has not been reported in the literature in individuals affected with APC-related conditions. This variant is not present in population databases (ExAC no frequency). This sequence change replaces arginine with isoleucine at codon 1790 of the APC protein (p.Arg1790Ile). The arginine residue is moderately conserved and there is a moderate physicochemical difference between arginine and isoleucine.

NM_000038.6(APC):c.5369G>T (p.Arg1790Ile)

Gene: APC (APC regulator of Wnt signaling pathway; plus strand). Cytogenetic location: 5q22.2.
Variant type: single nucleotide variant.
Coding change: c.5369G>T on transcript NM_000038.6 (MANE Select); coding-DNA position 5369, G replaced by T.
Protein change: p.Arg1790Ile; replaces arginine 1790 with isoleucine.
Molecular consequence: missense variant.
Genome position (GRCh38, 1-based): chr5:112,840,963, G>T. VCF-style: chr5-112840963-G-T. GRCh37 (hg19) VCF-style: chr5-112176660-G-T.
Other names: c.5369G>T, p.Arg1790Ile (NM_001127510.3, NM_001354895.2); c.5315G>T, p.Arg1772Ile (NM_001127511.3); c.5423G>T, p.Arg1808Ile (NM_001354896.2); c.5399G>T, p.Arg1800Ile (NM_001354897.2); c.5294G>T, p.Arg1765Ile (NM_001354898.2); c.5285G>T, p.Arg1762Ile (NM_001354899.2); c.5246G>T, p.Arg1749Ile (NM_001354900.2); c.5192G>T, p.Arg1731Ile (NM_001354901.2); and 6 more; short protein forms R1731I, R1749I, R1762I, R1765I, R1808I, R1790I, R1664I, R1772I.
Identifiers: ClinVar variation 1470002 (VCV001470002.7), dbSNP rs1158503665, ClinGen allele CA16033065.